The following is an entry in ClinVar:

NM_000231.3(SGCG):c.197C>A (p.Ala66Glu)

Gene: SGCG (sarcoglycan gamma; plus strand). Cytogenetic location: 13q12.12.
Variant type: single nucleotide variant.
Coding change: c.197C>A on transcript NM_000231.3 (MANE Select); coding-DNA position 197, C replaced by A.
Protein change: p.Ala66Glu; replaces alanine 66 with glutamic acid.
Molecular consequence: missense variant.
Genome position (GRCh38, 1-based): chr13:23,234,612, C>A. VCF-style: chr13-23234612-C-A. GRCh37 (hg19) VCF-style: chr13-23808751-C-A.
Other names: c.251C>A, p.Ala84Glu (NM_001378244.1); c.197C>A, p.Ala66Glu (NM_001378245.1, NM_001378246.1); short protein forms A66E, A84E.
Identifiers: ClinVar variation 644299 (VCV000644299.4), dbSNP rs752603127, ClinGen allele CA6909612.

ClinVar aggregate classification (germline): Uncertain significance. Review status: criteria provided, single submitter (1 of 4 stars). 2 submissions from 2 submitters: Uncertain significance (1). 1 of the submissions does not count toward it. Last evaluated 2021-08-31.

Conditions:
Autosomal recessive limb-girdle muscular dystrophy type 2C (LGMDR5). Also called: MUSCULAR DYSTROPHY, DUCHENNE-LIKE; MUSCULAR DYSTROPHY, LIMB-GIRDLE, AUTOSOMAL RECESSIVE 5. Identifiers: Orphanet 353, MedGen C0410173, MONDO:0009677, OMIM 253700. Disease mechanism: Affects gamma-sarcoglycan and also disrupts the integrity of the entire sarcoglycan complex..

Allele frequency attached by ClinVar (database versions not stated): TOPMed below 0.00001; gnomAD exomes 0.00001 and 0.00003; ExAC 0.00004.
gnomAD v4.1: 19 of 1,597,028 alleles (0.0012%); highest among the groups gnomAD compares: East Asian, 0.04%; no homozygotes.

Submissions (2):

Labcorp Genetics (formerly Invitae), Labcorp
Classification: Uncertain significance for Autosomal recessive limb-girdle muscular dystrophy type 2C. Last evaluated: 2021-08-31. Review status: criteria provided, single submitter. Criteria: Invitae Variant Classification Sherloc (09022015). Collection method: clinical testing. Allele origin: germline.
Comment: This sequence change replaces alanine with glutamic acid at codon 66 of the SGCG protein (p.Ala66Glu). The alanine residue is weakly conserved and there is a moderate physicochemical difference between alanine and glutamic acid. This variant is present in population databases (rs752603127, ExAC 0.06%). This variant has not been reported in the literature in individuals affected with SGCG-related conditions. Algorithms developed to predict the effect of missense changes on protein structure and function (SIFT, PolyPhen-2, Align-GVGD) all suggest that this variant is likely to be tolerated. In summary, the available evidence is currently insufficient to determine the role of this variant in disease. Therefore, it has been classified as a Variant of Uncertain Significance.

Natera, Inc.
Classification: Uncertain significance for Limb-girdle muscular dystrophy type 2C. Last evaluated: 2020-09-16. Review status: no assertion criteria provided. Collection method: clinical testing. Allele origin: germline. Not counted in ClinVar's aggregate classification.